The following is an entry in ClinVar:

ClinVar aggregate classification (germline): Benign/Likely benign. Review status: criteria provided, multiple submitters, no conflicts (2 of 4 stars). 11 submissions from 11 submitters: Benign (3); Likely benign (7). 1 of the submissions does not count toward it. Last evaluated 2026-09-01.

Conditions:
Tuberous sclerosis 2 (TSC2). Identifiers: Orphanet 805, MedGen C1860707, MONDO:0013199, OMIM 613254.
Lymphangiomyomatosis (LAM). Also called: Lymphangioleiomyomatosis; Lymphangioleiomyomatosis, somatic. Identifiers: Orphanet 538, MedGen C0751674, MONDO:0011705, OMIM 606690.
Isolated focal cortical dysplasia type II (FCORD2). Also called: Focal cortical dysplasia type II; CORTICAL DYSPLASIA OF TAYLOR. Identifiers: Orphanet 268994, MedGen C1846385, MONDO:0011818, OMIM 607341, HP:0032051.
Hereditary cancer-predisposing syndrome. Also called: Neoplastic Syndromes, Hereditary; Tumor predisposition; Hereditary Cancer Syndrome; Hereditary neoplastic syndrome. Identifiers: Orphanet 140162, MedGen C0027672, MeSH D009386, MONDO:0015356.
Tuberous sclerosis syndrome (TSC). Also called: Tuberous Sclerosis Complex; Tuberous sclerosis. Identifiers: Orphanet 805, MedGen C0041341, MONDO:0001734.

Allele frequency attached by ClinVar (database versions not stated): gnomAD exomes 0.00001 and 0.00003; ExAC 0.00002; gnomAD 0.00002 and 0.00003; TOPMed 0.00002.

Submissions (11):

CeGaT Center for Human Genetics Tuebingen
Classification: Likely benign. Last evaluated: 2026-09-01. Review status: criteria provided, single submitter. Criteria: CeGaT Center For Human Genetics Tuebingen Variant Classification Criteria Version 2. Collection method: clinical testing. Allele origin: germline. Affected: yes. Observed: 1 variant allele.
Comment: TSC2: BP4, BP7

Labcorp Genetics (formerly Invitae), Labcorp
Classification: Benign for Tuberous sclerosis 2. Last evaluated: 2025-12-19. Review status: criteria provided, single submitter. Criteria: Invitae Variant Classification Sherloc (09022015). Collection method: clinical testing. Allele origin: germline.

Myriad Genetics, Inc.
Classification: Benign for Tuberous sclerosis 2. Last evaluated: 2025-05-02. Review status: criteria provided, single submitter. Criteria: Myriad Autosomal Dominant, Autosomal Recessive and X-Linked Classification Criteria (2023). Collection method: clinical testing. Allele origin: unknown.
Comment: This variant is considered benign. This variant is a silent/synonymous amino acid change and it is not expected to impact splicing.

All of Us Research Program, National Institutes of Health
Classification: Likely benign for Tuberous sclerosis syndrome. Last evaluated: 2024-09-23. Review status: criteria provided, single submitter. Criteria: ACMG Guidelines, 2015. Collection method: clinical testing. Allele origin: germline. Inheritance: Autosomal dominant inheritance. Observed: 7 variant alleles, 7 heterozygotes.
Comment: This study involves interpretation of variants in research participants for the purpose of population health screening. Participant phenotype was not available at the time of variant classification. Additional details can be found in publication PMID: 35346344, PMCID: PMC8962531

Blueprint Genetics
Classification: Likely benign. Last evaluated: 2023-05-19. Review status: criteria provided, single submitter. Criteria: ACMG Guidelines, 2015. Collection method: clinical testing. Allele origin: germline.

Color Diagnostics, LLC DBA Color Health
Classification: Likely benign for Tuberous sclerosis syndrome. Last evaluated: 2022-09-08. Review status: criteria provided, single submitter. Criteria: ACMG Guidelines, 2015. Collection method: clinical testing. Allele origin: germline.

Fulgent Genetics
Classification: Likely benign for Lymphangiomyomatosis; Isolated focal cortical dysplasia type II; Tuberous sclerosis 2. Last evaluated: 2022-01-09. Review status: criteria provided, single submitter. Criteria: ACMG Guidelines, 2015. Collection method: clinical testing. Allele origin: unknown.

Genome-Nilou Lab
Classification: Benign for Tuberous sclerosis 2. Last evaluated: 2021-11-07. Review status: criteria provided, single submitter. Criteria: ACMG Guidelines, 2015. Collection method: clinical testing. Allele origin: germline. Affected: no.

GeneDx
Classification: Likely benign. Last evaluated: 2021-09-14. Review status: criteria provided, single submitter. Criteria: GeneDx Variant Classification Process June 2021. Collection method: clinical testing. Allele origin: germline. Affected: yes.

Ambry Genetics
Classification: Likely benign for Hereditary cancer-predisposing syndrome. Last evaluated: 2018-06-13. Review status: criteria provided, single submitter. Criteria: Ambry Variant Classification Scheme 2023. Collection method: clinical testing. Allele origin: germline.

Tuberous sclerosis database (TSC2)
No classification provided. Condition: TSC. Review status: no classification provided. Criteria: Tuberous Sclerosis Database Assertion Criteria 2015. Collection method: curation. Allele origin: germline. Affected: yes. Not counted in ClinVar's aggregate classification.

NM_000548.5(TSC2):c.201C>T (p.Val67=)

Gene: TSC2 (TSC complex subunit 2; plus strand). Cytogenetic location: 16p13.3.
Variant type: single nucleotide variant.
Coding change: c.201C>T on transcript NM_000548.5 (MANE Select); coding-DNA position 201, C replaced by T.
Protein change: p.Val67=; no amino-acid change (valine 67 retained).
Molecular consequence: synonymous variant. On other transcripts: 5 prime UTR variant (1).
Genome position (GRCh38, 1-based): chr16:2,050,462, C>T. VCF-style: chr16-2050462-C-T. GRCh37 (hg19) VCF-style: chr16-2100463-C-T.
Other names: c.201C>T, p.Val67= (NM_001077183.3, NM_001114382.3, NM_001318827.2 and 4 more transcripts); c.54C>T, p.Val18= (NM_001318829.2); c.-26C>T (NM_001318831.2); c.234C>T, p.Val78= (NM_001318832.2).
Identifiers: ClinVar variation 50100 (VCV000050100.37), dbSNP rs45460096, ClinGen allele CA016432.